The following is an entry in ClinVar:

ClinVar aggregate classification (germline): Conflicting classifications of pathogenicity. Review status: criteria provided, conflicting classifications (1 of 4 stars). 9 submissions from 9 submitters: Uncertain significance (5); Benign (1); Likely benign (2). 1 of the submissions does not count toward it. Last evaluated 2026-01-31.

Conditions:
Ceroid lipofuscinosis, neuronal, 6A. Also called: CLN6-Related Neuronal Ceroid-Lipofuscinosis; Neuronal ceroid lipofuscinosis, late infantile, variant; Neuronal ceroid lipofuscinosis, Gypsy/Indian early juvenile variant; Neuronal ceroid lipofuscinosis 6. Identifiers: Orphanet 168491, Orphanet 228363, MedGen C5551375, MONDO:0011144, OMIM 601780.
Ceroid lipofuscinosis, neuronal, 6B (Kufs type). Also called: Neuronal ceroid lipofuscinosis 4A. Identifiers: Orphanet 700477, MedGen C5561927, MONDO:0008768, OMIM 204300.
Inborn genetic diseases. Identifiers: MedGen C0950123, MeSH D030342.
Neuronal ceroid lipofuscinosis. Also called: Neuronal Ceroid Lipofuscinoses. Identifiers: Orphanet 216, Orphanet 79263, MedGen C0027877, MONDO:0016295. Disease mechanism: loss of function.

Allele frequency attached by ClinVar (database versions not stated): gnomAD exomes 0.00016 and 0.00032; ExAC 0.00019; gnomAD 0.00042 and 0.00052; TOPMed 0.00068; 1000 Genomes Project 30x 0.00219; 1000 Genomes Project 0.00300.
gnomAD v4.1: 320 of 1,465,056 alleles (0.022%); highest among the groups gnomAD compares: East Asian, 0.72%; no homozygotes.

Submissions (9):

Labcorp Genetics (formerly Invitae), Labcorp
Classification: Benign for Neuronal ceroid lipofuscinosis. Last evaluated: 2026-01-31. Review status: criteria provided, single submitter. Criteria: Invitae Variant Classification Sherloc (09022015). Collection method: clinical testing. Allele origin: germline.

Fulgent Genetics
Classification: Uncertain significance for Ceroid lipofuscinosis, neuronal, 6B (Kufs type); Ceroid lipofuscinosis, neuronal, 6A. Last evaluated: 2024-04-11. Review status: criteria provided, single submitter. Criteria: ACMG Guidelines, 2015. Collection method: clinical testing. Allele origin: germline.

Mayo Clinic Laboratories, Mayo Clinic
Classification: Uncertain significance. Last evaluated: 2021-07-27. Review status: criteria provided, single submitter. Criteria: ACMG Guidelines, 2015. Collection method: clinical testing. Allele origin: germline.

Revvity Omics, Revvity
Classification: Uncertain significance. Last evaluated: 2020-07-30. Review status: criteria provided, single submitter. Criteria: ACMG Guidelines, 2015. Collection method: clinical testing. Allele origin: germline.

Dubai Health Genomic Medicine Center, Dubai Health
Classification: Likely benign for Ceroid lipofuscinosis, neuronal, 6B (Kufs type). Last evaluated: 2020-07-27. Review status: criteria provided, single submitter. Criteria: ACMG Guidelines, 2015. Collection method: clinical testing. Allele origin: germline. Affected: yes.

Ambry Genetics
Classification: Uncertain significance for Inborn genetic diseases. Last evaluated: 2019-03-26. Review status: criteria provided, single submitter. Criteria: Ambry Variant Classification Scheme 2023. Collection method: clinical testing. Allele origin: germline.
Comment: The p.E2G variant (also known as c.5A>G), located in coding exon 1 of the CLN6 gene, results from an A to G substitution at nucleotide position 5. The glutamic acid at codon 2 is replaced by glycine, an amino acid with similar properties. This variant was reported as homozygous in an individual with neuronal ceroid lipofuscinosis (Di Fruscio G et al. Autophagy, 2015;11:928-38). This amino acid position is highly conserved in available vertebrate species. In addition, the in silico prediction for this alteration is inconclusive. Since supporting evidence is limited at this time, the clinical significance of this alteration remains unclear.

GeneDx
Classification: Uncertain significance. Last evaluated: 2018-07-25. Review status: criteria provided, single submitter. Criteria: GeneDx Variant Classification (06012015). Collection method: clinical testing. Allele origin: germline. Affected: yes.
Comment: A variant of uncertain significance has been identified in the CLN6 gene. The E2G variant has beenreported previously in the homozygous state in an individual with late-infantile neuronal ceroidlipofuscinosis (Di Fruscio et al., 2015). The E2G variant is observed in 13/1008 (1.3%) alleles from individuals of East Asian background (Lek et al., 2016; 1000 Genomes Consortium et al., 2015;Exome Variant Server). The E2G variant is a non-conservative amino acid substitution, which is likely to impact secondary protein structure as these residues differ in polarity, charge, size and/or other properties. Additionally, this substitution occurs at a position that is conserved across species, and in silico analysis predicts this variant is probably damaging to the protein structure/function. Furthermore, missense variants in nearby residues (R5W, R6T) have been reported in the Human GeneMutation Database in association with NCL (Stenson et al., 2014). Based on the currently available information, it is unclear whether this variant is a pathogenic variant or a rare benign variant.

Illumina Laboratory Services, Illumina
Classification: Likely benign for Neuronal ceroid lipofuscinosis. Last evaluated: 2017-08-08. Review status: criteria provided, single submitter. Criteria: ICSL Variant Classification Criteria 13 December 2019. Collection method: clinical testing. Allele origin: germline.
Comment: This variant was observed as part of a predisposition screen in an ostensibly healthy population. A literature search was performed for the gene, cDNA change, and amino acid change (where applicable). Publications were found based on this search. The evidence from the literature, in combination with allele frequency data from public databases where available, was sufficient to determine this variant is unlikely to cause disease. Therefore, this variant is classified as likely benign.

Counsyl
Classification: Uncertain significance for Ceroid lipofuscinosis, neuronal, 6A. Last evaluated: 2017-01-25. Review status: no assertion criteria provided. Collection method: clinical testing. Allele origin: unknown. Not counted in ClinVar's aggregate classification.

Literature cited by the submitters: PubMed 26075876 (cited by 3 submitters).

NM_017882.3(CLN6):c.5A>G (p.Glu2Gly)

Gene: CLN6 (CLN6 transmembrane ER protein; minus strand). Cytogenetic location: 15q23.
Variant type: single nucleotide variant.
Coding change: c.5A>G on transcript NM_017882.3 (MANE Select); coding-DNA position 5, A replaced by G.
Protein change: p.Glu2Gly; replaces glutamic acid 2 with glycine.
Molecular consequence: missense variant.
Genome position (GRCh38, 1-based): chr15:68,229,580, T>C on the plus strand (A>G on the coding strand, the complement: CLN6 is on the minus strand). VCF-style: chr15-68229580-T-C. GRCh37 (hg19) VCF-style: chr15-68521918-T-C.
Other names: p.E2G:GAG>GGG; short protein forms E2G.
Identifiers: ClinVar variation 205179 (VCV000205179.29), dbSNP rs3743088, ClinGen allele CA313985.
Genomic context (GRCh38, chr15:68,229,580, plus strand): 5'-GCGCCCAGCTGCGCGCCTGGGCCGCCCGTCGCTCCCAGGTGCTGCCGCCTCCGCGTCGCC[T>C]CCATGGCTGCCCCGCAGGCCCCTCGGCCCTGCCTTTCCGAGGAAGAGACCGGTTCAGCTC-3'
Protein context (NP_060352.1, residues 1-12): M[Glu2Gly]ATRRRQHLGA